The following is an entry in ClinVar:

ClinVar aggregate classification (germline): Uncertain significance (1 of 4 stars; one submission).

Allele frequency attached by ClinVar (database versions not stated): gnomAD exomes 0.00002; ExAC 0.00007; 1000 Genomes Project 30x 0.00016; 1000 Genomes Project 0.00020.
gnomAD v4.1: 40 of 1,614,088 alleles (0.0025%); highest among the groups gnomAD compares: East Asian, 0.078%; no homozygotes.

Submission:

Labcorp Genetics (formerly Invitae), Labcorp
Classification: Uncertain significance. Last evaluated: 2024-10-25. Review status: criteria provided, single submitter. Criteria: Invitae Variant Classification Sherloc (09022015). Collection method: clinical testing. Allele origin: germline.
Comment: This sequence change replaces serine, which is neutral and polar, with asparagine, which is neutral and polar, at codon 290 of the C8B protein (p.Ser290Asn). This variant is present in population databases (rs372123388, gnomAD 0.1%). This variant has not been reported in the literature in individuals affected with C8B-related conditions. ClinVar contains an entry for this variant (Variation ID: 1982697). An algorithm developed to predict the effect of missense changes on protein structure and function (PolyPhen-2) suggests that this variant¬†is likely to be tolerated. In summary, the available evidence is currently insufficient to determine the role of this variant in disease. Therefore, it has been classified as a Variant of Uncertain Significance.

NM_000066.4(C8B):c.869G>A (p.Ser290Asn)

Gene: C8B (complement C8 beta chain; minus strand). Cytogenetic location: 1p32.2.
Variant type: single nucleotide variant.
Coding change: c.869G>A on transcript NM_000066.4 (MANE Select); coding-DNA position 869, G replaced by A.
Protein change: p.Ser290Asn; replaces serine 290 with asparagine.
Molecular consequence: missense variant.
Genome position (GRCh38, 1-based): chr1:56,946,057, C>T on the plus strand (G>A on the coding strand, the complement: C8B is on the minus strand). VCF-style: chr1-56946057-C-T. GRCh37 (hg19) VCF-style: chr1-57411730-C-T.
Other names: c.713G>A, p.Ser238Asn (NM_001278543.2); c.683G>A, p.Ser228Asn (NM_001278544.2); short protein forms S290N, S238N, S228N.
Identifiers: ClinVar variation 1982697 (VCV001982697.2), dbSNP rs372123388, ClinGen allele CA875822.